The following is an entry in ClinVar:

ClinVar aggregate classification (germline): Uncertain significance. Review status: criteria provided, multiple submitters, no conflicts (2 of 4 stars). 2 submissions from 2 submitters: Uncertain significance (2). Last evaluated 2025-11-20.

Conditions:
Inborn genetic diseases. Identifiers: MedGen C0950123, MeSH D030342.

Allele frequency attached by ClinVar (database versions not stated): TOPMed below 0.00001.

Submissions (2):

Ambry Genetics
Classification: Uncertain significance for Inborn genetic diseases. Last evaluated: 2025-11-20. Review status: criteria provided, single submitter. Criteria: Ambry Variant Classification Scheme 2023. Collection method: clinical testing. Allele origin: germline.

Labcorp Genetics (formerly Invitae), Labcorp
Classification: Uncertain significance. Last evaluated: 2022-02-21. Review status: criteria provided, single submitter. Criteria: Invitae Variant Classification Sherloc (09022015). Collection method: clinical testing. Allele origin: germline.
Comment: This sequence change replaces leucine, which is neutral and non-polar, with proline, which is neutral and non-polar, at codon 1381 of the COL4A4 protein (p.Leu1381Pro). This variant is not present in population databases (gnomAD no frequency). This variant has not been reported in the literature in individuals affected with COL4A4-related conditions. Advanced modeling of protein sequence and biophysical properties (such as structural, functional, and spatial information, amino acid conservation, physicochemical variation, residue mobility, and thermodynamic stability) performed at Invitae indicates that this missense variant is not expected to disrupt COL4A4 protein function. In summary, the available evidence is currently insufficient to determine the role of this variant in disease. Therefore, it has been classified as a Variant of Uncertain Significance.

NM_000092.5(COL4A4):c.4142T>C (p.Leu1381Pro)

Gene: COL4A4 (collagen type IV alpha 4 chain; minus strand). Cytogenetic location: 2q36.3.
Variant type: single nucleotide variant.
Coding change: c.4142T>C on transcript NM_000092.5 (MANE Select); coding-DNA position 4142, T replaced by C.
Protein change: p.Leu1381Pro; replaces leucine 1381 with proline.
Molecular consequence: missense variant.
Genome position (GRCh38, 1-based): chr2:227,022,122, A>G on the plus strand (T>C on the coding strand, the complement: COL4A4 is on the minus strand). VCF-style: chr2-227022122-A-G. GRCh37 (hg19) VCF-style: chr2-227886838-A-G.
Other names: short protein forms L1381P.
Identifiers: ClinVar variation 2171064 (VCV002171064.2), dbSNP rs1359554403, ClinGen allele CA350836777.
Genomic context (GRCh38, chr2:227,022,122, plus strand): 5'-CCTCTCATTCCAGGGAGCCCCATGGCTCCTTCTGGTCCTCTCATGCCTGGCGCCCCAGGA[A>G]GGCCTGGGATTCGGGGACAGTCATCCACATCTGCAGGTGGCCCCGGTTCACCTGAAATTG-3'
Protein context (NP_000083.3, residues 1371-1391): DVDDCPRIPG[Leu1381Pro]PGAPGMRGPE